The following is an entry in ClinVar:

NM_000548.5(TSC2):c.4718A>G (p.Glu1573Gly)

Gene: TSC2 (TSC complex subunit 2; plus strand). Cytogenetic location: 16p13.3.
Variant type: single nucleotide variant.
Coding change: c.4718A>G on transcript NM_000548.5 (MANE Select); coding-DNA position 4718, A replaced by G.
Protein change: p.Glu1573Gly; replaces glutamic acid 1573 with glycine.
Molecular consequence: missense variant.
Genome position (GRCh38, 1-based): chr16:2,086,248, A>G. VCF-style: chr16-2086248-A-G. GRCh37 (hg19) VCF-style: chr16-2136249-A-G.
Other names: c.4517A>G, p.Glu1506Gly (NM_001077183.3); c.4649A>G, p.Glu1550Gly (NM_001114382.3); c.4409A>G, p.Glu1470Gly (NM_001318827.2); c.4373A>G, p.Glu1458Gly (NM_001318829.2); c.3986A>G, p.Glu1329Gly (NM_001318831.2); c.4550A>G, p.Glu1517Gly (NM_001318832.2); c.4520A>G, p.Glu1507Gly (NM_001363528.2); c.4586A>G, p.Glu1529Gly (NM_001370404.1); and 1 more; short protein forms E1573G, E1458G, E1506G, E1530G, E1550G, E1517G, E1529G, E1329G.
Identifiers: ClinVar variation 576242 (VCV000576242.8), dbSNP rs1567532847, ClinGen allele CA394307454.

ClinVar aggregate classification (germline): Uncertain significance (1 of 4 stars; one submission).

Conditions:
Tuberous sclerosis 2 (TSC2). Identifiers: Orphanet 805, MedGen C1860707, MONDO:0013199, OMIM 613254.

Submission:

Labcorp Genetics (formerly Invitae), Labcorp
Classification: Uncertain significance for Tuberous sclerosis 2. Last evaluated: 2025-02-27. Review status: criteria provided, single submitter. Criteria: Invitae Variant Classification Sherloc (09022015). Collection method: clinical testing. Allele origin: germline.
Comment: This sequence change replaces glutamic acid, which is acidic and polar, with glycine, which is neutral and non-polar, at codon 1573 of the TSC2 protein (p.Glu1573Gly). This variant is not present in population databases (gnomAD no frequency). This variant has not been reported in the literature in individuals affected with TSC2-related conditions. ClinVar contains an entry for this variant (Variation ID: 576242). Invitae Evidence Modeling of protein sequence and biophysical properties (such as structural, functional, and spatial information, amino acid conservation, physicochemical variation, residue mobility, and thermodynamic stability) indicates that this missense variant is not expected to disrupt TSC2 protein function with a negative predictive value of 95%. In summary, the available evidence is currently insufficient to determine the role of this variant in disease. Therefore, it has been classified as a Variant of Uncertain Significance.